The following is an entry in ClinVar:

ClinVar aggregate classification (germline): Uncertain significance (1 of 4 stars; one submission).

Conditions:
Candidiasis, familial, 6 (CANDF6). Also called: Candidiasis, familial, 6, autosomal dominant. Identifiers: Orphanet 1334, MedGen C3151405, MONDO:0013503, OMIM 613956.

Allele frequency attached by ClinVar (database versions not stated): gnomAD 0.00004 and 0.00005; gnomAD exomes 0.00004 and 0.00008; TOPMed 0.00006; ExAC 0.00008; ESP Exome Variant Server 0.00008.

Submission:

Labcorp Genetics (formerly Invitae), Labcorp
Classification: Uncertain significance for Candidiasis, familial, 6. Last evaluated: 2025-09-14. Review status: criteria provided, single submitter. Criteria: Invitae Variant Classification Sherloc (09022015). Collection method: clinical testing. Allele origin: germline.
Comment: This sequence change falls in intron 1 of the IL17F gene. It does not directly change the encoded amino acid sequence of the IL17F protein. It affects a nucleotide within the consensus splice site. This variant is present in population databases (rs374814501, gnomAD 0.01%). This variant has not been reported in the literature in individuals affected with IL17F-related conditions. ClinVar contains an entry for this variant (Variation ID: 1378990). Variants that disrupt the consensus splice site are a relatively common cause of aberrant splicing (PMID: 17576681, 9536098). Algorithms developed to predict the effect of sequence changes on RNA splicing suggest that this variant may disrupt the consensus splice site. In summary, the available evidence is currently insufficient to determine the role of this variant in disease. Therefore, it has been classified as a Variant of Uncertain Significance.

Literature cited by the submitters: PubMed 17576681; PubMed 9536098.

NM_052872.4(IL17F):c.33+5G>A

Gene: IL17F (interleukin 17F; minus strand). Cytogenetic location: 6p12.2.
Variant type: single nucleotide variant.
Coding change: c.33+5G>A on transcript NM_052872.4 (MANE Select); 5 bases into the intron after coding-DNA position 33, G replaced by A.
Molecular consequence: intron variant.
Genome position (GRCh38, 1-based): chr6:52,244,392, C>T on the plus strand (G>A on the coding strand, the complement: IL17F is on the minus strand). VCF-style: chr6-52244392-C-T. GRCh37 (hg19) VCF-style: chr6-52109190-C-T.
Identifiers: ClinVar variation 1378990 (VCV001378990.6), dbSNP rs374814501, ClinGen allele CA3854475.